The following is an entry in ClinVar:

NM_014780.5(CUL7):c.3523C>T (p.His1175Tyr)

Gene: CUL7 (cullin 7; minus strand). Cytogenetic location: 6p21.1.
Variant type: single nucleotide variant.
Coding change: c.3523C>T on transcript NM_014780.5 (MANE Select); coding-DNA position 3523, C replaced by T.
Protein change: p.His1175Tyr; replaces histidine 1175 with tyrosine.
Molecular consequence: missense variant.
Genome position (GRCh38, 1-based): chr6:43,042,924, G>A on the plus strand (C>T on the coding strand, the complement: CUL7 is on the minus strand). VCF-style: chr6-43042924-G-A. GRCh37 (hg19) VCF-style: chr6-43010662-G-A.
Other names: c.3523C>T (NM_014780.4); c.3619C>T, p.His1207Tyr (NM_001168370.2, NM_001374872.1); c.3523C>T, p.His1175Tyr (NM_001374873.1); c.3520C>T, p.His1174Tyr (NM_001374874.1); short protein forms H1174Y, H1175Y, H1207Y.
Identifiers: ClinVar variation 1335626 (VCV001335626.36), dbSNP rs2150315876, ClinGen allele CA364202937.

ClinVar aggregate classification (germline): Uncertain significance. Review status: criteria provided, multiple submitters, no conflicts (2 of 4 stars). 2 submissions from 2 submitters: Uncertain significance (2). Last evaluated 2021-11-01.

Conditions:
3M syndrome 1. Also called: 3-M Syndrome, CUL7-Related. Identifiers: Orphanet 2616, MedGen C2678312, MONDO:0010117, OMIM 273750.

Submissions (2):

CeGaT Center for Human Genetics Tuebingen
Classification: Uncertain significance. Last evaluated: 2021-11-01. Review status: criteria provided, single submitter. Criteria: CeGaT Center For Human Genetics Tuebingen Variant Classification Criteria Version 2. Collection method: clinical testing. Allele origin: germline. Affected: yes. Observed: 1 variant allele.

Department of Clinical Genetics, Nicolaus Copernicus University
Classification: Uncertain significance for 3M syndrome 1. Last evaluated: 2021-08-30. Review status: criteria provided, single submitter. Criteria: ACMG Guidelines, 2015. Collection method: clinical testing. Allele origin: germline. Affected: yes. Observed: 2 variant alleles.
Comment: The NM_014780.4:c.3523C>T (p.His1175Tyr) variant in the CUL7 gene is a missense change resulting in the substitution of histidine with tyrosine at codon 1175. The CUL7 gene is associated with autosomal recessive 3-M syndrome (also known as Miller–McKusick–Malvaux syndrome, Le Merrer syndrome, or dolichospondylic dysplasia), characterized by severe pre- and postnatal growth retardation, low birth weight, dysmorphic facial features (triangular face, frontal bossing, midface hypoplasia, fleshy nasal tip, full lips, pointed chin), and skeletal abnormalities. Based on the clinical presentation, familial segregation, and established gene–disease relationship, the CUL7 c.3523C>T (p.His1175Tyr) variant is highly likely to be pathogenic, although currently classified as a variant of uncertain significance (VUS) pending further functional and population evidence.

Literature cited by the submitters: PubMed 16142236 (cited by Department of Clinical Genetics, Nicolaus Copernicus University); PubMed 41069520 (cited by Department of Clinical Genetics, Nicolaus Copernicus University).